The following is an entry in ClinVar:

ClinVar aggregate classification (germline): Pathogenic (1 of 4 stars; one submission).

Conditions:
Usher syndrome type 1F (USH1F). Also called: USHER SYNDROME, TYPE IF. Identifiers: Orphanet 231169, Orphanet 886, MedGen C1865885, MONDO:0011186, OMIM 602083.

Submission:

Myriad Genetics, Inc.
Classification: Pathogenic for Usher syndrome type 1F. Last evaluated: 2024-02-08. Review status: criteria provided, single submitter. Criteria: Myriad Autosomal Dominant, Autosomal Recessive and X-Linked Classification Criteria (2023). Collection method: clinical testing. Allele origin: unknown.
Comment: NM_033056.3(PCDH15):c.3027delT(F1009Lfs*7) is expected to be pathogenic in the context of PCDH15-related disorders. This variant is predicted to lead to an abnormal or absent protein product due to the creation of a premature termination codon in PCDH15, a gene where loss-of-function variants are known to be pathogenic. Please note: this variant was assessed in the context of healthy population screening.

NM_001384140.1(PCDH15):c.3027del (p.Phe1009fs)

Gene: PCDH15 (protocadherin related 15; minus strand). Cytogenetic location: 10q21.1.
Variant type: Deletion.
Coding change: c.3027del on transcript NM_001384140.1 (MANE Select); coding-DNA position 3027, one base deleted (T; older notation c.3027delT).
Protein change: p.Phe1009fs; shifts the reading frame from phenylalanine 1009.
Molecular consequence: frameshift variant.
Genome position (GRCh38, 1-based): chr10:53,959,827, A deleted on the plus strand (T on the coding strand, the reverse complement: PCDH15 is on the minus strand); the first of 4 consecutive A bases (chr10:53,959,827-53,959,830); deleting any one gives the same sequence. VCF-style (leftmost placement, unchanged base first): chr10-53959826-CA-C. GRCh37 (hg19) VCF-style: chr10-55719586-CA-C.
Other names: c.3042del, p.Phe1014fs (NM_001142763.2, NM_001142771.2); c.3027del, p.Phe1009fs (NM_001142764.2, NM_001142766.2, NM_001142770.3 and 4 more transcripts); c.2814del, p.Phe938fs (NM_001142765.2); c.2916del, p.Phe972fs (NM_001142767.2); c.2961del, p.Phe987fs (NM_001142768.2, NM_001142773.2, NM_001354404.2); c.3060delT, p.Phe1021Leufs (NM_001142769.4); c.3048del, p.Phe1016fs (NM_001354411.2); short protein forms F1009fs, F1014fs, F1016fs, F1021fs, F938fs, F972fs, F987fs.
Identifiers: ClinVar variation 5012712 (VCV005012712.1).
Genomic context (GRCh38, chr10:53,959,826, plus strand): 5'-CAGGATGTAAGACAAGAATCTTCACTGTGGCACTGCTGGACATCACAGGCTCCCCATCAT[CA>C]AAAGCAACCACCACCAACTTAAAAAGCAATAAAAATTCATGTTAAAGATTATAAGTAAGA-3'